The following is an entry in ClinVar:

ClinVar aggregate classification (germline): Likely benign (1 of 4 stars; one submission).

Allele frequency attached by ClinVar (database versions not stated): TOPMed 0.00001.
gnomAD v4.1: 8 of 1,613,040 alleles (0.0005%); highest among the groups gnomAD compares: East Asian, 0.0022%; no homozygotes.

Submission:

Laboratory for Molecular Medicine, Mass General Brigham Personalized Medicine
Classification: Likely benign. Last evaluated: 2017-06-18. Review status: criteria provided, single submitter. Criteria: LMM Criteria. Collection method: clinical testing. Allele origin: germline. Observed: 1 variant allele.
Comment: p.Arg1129Gln in exon 2 of MYO15A: This variant is not expected to have clinical significance due to a lack of conservation across species, including mammals. Of note, 12 mammals have a glutamine (Gln) at this position despite high nearby am ino acid conservation. In addition, computational prediction tools do not sugges t a high likelihood of impact to the protein. It has also been identified in 1/5 468 chromosomes of unspecified ethnicity and 1/15239 African chromosomes by the Genome Aggregation Database (gnomAD).

NM_016239.4(MYO15A):c.3386G>A (p.Arg1129Gln)

Gene: MYO15A (myosin XVA; plus strand). Cytogenetic location: 17p11.2.
Variant type: single nucleotide variant.
Coding change: c.3386G>A on transcript NM_016239.4 (MANE Select); coding-DNA position 3386, G replaced by A.
Protein change: p.Arg1129Gln; replaces arginine 1129 with glutamine.
Molecular consequence: missense variant.
Genome position (GRCh38, 1-based): chr17:18,122,186, G>A. VCF-style: chr17-18122186-G-A. GRCh37 (hg19) VCF-style: chr17-18025500-G-A.
Other names: short protein forms R1129Q.
Identifiers: ClinVar variation 505832 (VCV000505832.4), dbSNP rs1463824476, ClinGen allele CA398587664.